The following is an entry in ClinVar:

NM_000492.4(CFTR):c.296C>G (p.Pro99Arg)

Gene: CFTR (CF transmembrane conductance regulator; plus strand). Cytogenetic location: 7q31.2.
Variant type: single nucleotide variant.
Coding change: c.296C>G on transcript NM_000492.4 (MANE Select); coding-DNA position 296, C replaced by G.
Protein change: p.Pro99Arg; replaces proline 99 with arginine.
Molecular consequence: missense variant.
Genome position (GRCh38, 1-based): chr7:117,530,921, C>G. VCF-style: chr7-117530921-C-G. GRCh37 (hg19) VCF-style: chr7-117170975-C-G.
Other names: short protein forms P99R.
Identifiers: ClinVar variation 1704257 (VCV001704257.2), dbSNP rs397508467, ClinGen allele CA368974267.

ClinVar aggregate classification (germline): Conflicting classifications of pathogenicity. Review status: criteria provided, conflicting classifications (1 of 4 stars). 2 submissions from 2 submitters: Pathogenic (1); Uncertain significance (1). Last evaluated 2025-05-19.

Conditions:
CFTR-related disorder (CFTR-RD). Also called: CFTR-related disorders; CFTR-related condition. Identifiers: MedGen C5924204, MONDO:7770004.
Cystic fibrosis (CF). Also called: MUCOVISCIDOSIS. Identifiers: Orphanet 586, MedGen C0010674, MONDO:0009061, OMIM 219700. Disease mechanism: loss of function.

Submissions (2):

Women's Health and Genetics/Laboratory Corporation of America, LabCorp
Classification: Uncertain significance. Last evaluated: 2025-05-19. Review status: criteria provided, single submitter. Criteria: LabCorp Variant Classification Summary - May 2015. Collection method: clinical testing. Allele origin: germline.
Comment: Variant summary: CFTR c.296C>G (p.Pro99Arg) results in a non-conservative amino acid change located in the ABC transporter type 1, transmembrane domain (IPR036640) of the encoded protein sequence. Algorithms developed to predict the effect of missense changes on protein structure and function all suggest that this variant is likely to be disruptive. The variant was absent in 251082 control chromosomes. The available data on variant occurrences in the general population are insufficient to allow any conclusion about variant significance. c.296C>G has been observed in one individual affected with Cystic Fibrosis, however not all the information was provided (Claustres_2000). These report(s) do not provide unequivocal conclusions about association of the variant with Cystic Fibrosis. To our knowledge, no experimental evidence demonstrating an impact on protein function has been reported. The following publication has been ascertained in the context of this evaluation (PMID: 28603918). ClinVar contains an entry for this variant (Variation ID: 1704257). Based on the evidence outlined above, the variant was classified as uncertain significance.

CFTR-France
Classification: Pathogenic for cystic fibrosis; CFTR-related disorders. Last evaluated: 2021-01-11. Review status: criteria provided, single submitter. Criteria: Claustres M et al. (Hum Mutat 2017). Collection method: curation. Allele origin: germline. Affected: yes.
Comment: the variant causes a phenotype but regarding our data, we can't formally attribute it to CF, CFTR-RD or both